The following is an entry in ClinVar:

ClinVar aggregate classification (germline): Uncertain significance (1 of 4 stars; one submission).

Submission:

Labcorp Genetics (formerly Invitae), Labcorp
Classification: Uncertain significance. Last evaluated: 2023-08-04. Review status: criteria provided, single submitter. Criteria: Invitae Variant Classification Sherloc (09022015). Collection method: clinical testing. Allele origin: germline.
Comment: This sequence change replaces asparagine, which is neutral and polar, with aspartic acid, which is acidic and polar, at codon 107 of the GPSM2 protein (p.Asn107Asp). In summary, the available evidence is currently insufficient to determine the role of this variant in disease. Therefore, it has been classified as a Variant of Uncertain Significance. Advanced modeling of protein sequence and biophysical properties (such as structural, functional, and spatial information, amino acid conservation, physicochemical variation, residue mobility, and thermodynamic stability) performed at Invitae indicates that this missense variant is expected to disrupt GPSM2 protein function. ClinVar contains an entry for this variant (Variation ID: 2094969). This variant has not been reported in the literature in individuals affected with GPSM2-related conditions. This variant is not present in population databases (gnomAD no frequency).

NM_013296.5(GPSM2):c.319A>G (p.Asn107Asp)

Gene: GPSM2 (G protein signaling modulator 2; plus strand). Cytogenetic location: 1p13.3.
Variant type: single nucleotide variant.
Coding change: c.319A>G on transcript NM_013296.5 (MANE Select); coding-DNA position 319, A replaced by G.
Protein change: p.Asn107Asp; replaces asparagine 107 with aspartic acid.
Molecular consequence: missense variant.
Genome position (GRCh38, 1-based): chr1:108,897,532, A>G. VCF-style: chr1-108897532-A-G. GRCh37 (hg19) VCF-style: chr1-109440154-A-G.
Other names: c.319A>G, p.Asn107Asp (NM_001321038.2, NM_001321039.3); short protein forms N107D.
Identifiers: ClinVar variation 2094969 (VCV002094969.4), dbSNP rs2524887901, ClinGen allele CA341457146.